The following is an entry in ClinVar:

ClinVar aggregate classification (germline): Likely benign. Review status: criteria provided, multiple submitters, no conflicts (2 of 4 stars). 2 submissions from 2 submitters: Likely benign (2). Last evaluated 2023-03-17.

Conditions:
Intellectual developmental disorder, X-linked 1. Also called: Intellectual disability, X-linked 1; Atkin Flaitz Patil Smith syndrome; MENTAL RETARDATION, X-LINKED 18; MENTAL RETARDATION, X-LINKED 78. Identifiers: Orphanet 777, MedGen C2931498, MONDO:0010656, OMIM 309530.

Allele frequency attached by ClinVar (database versions not stated): gnomAD exomes 0.00003 and below 0.00001.
gnomAD v4.1: 3 of 1,163,999 alleles (0.00026%); highest among the groups gnomAD compares: Admixed American, 0.0077%; no homozygotes.

Submissions (2):

Labcorp Genetics (formerly Invitae), Labcorp
Classification: Likely benign for Intellectual developmental disorder, X-linked 1. Last evaluated: 2023-03-17. Review status: criteria provided, single submitter. Criteria: Invitae Variant Classification Sherloc (09022015). Collection method: clinical testing. Allele origin: germline.

GeneDx
Classification: Likely benign. Last evaluated: 2016-10-26. Review status: criteria provided, single submitter. Criteria: GeneDx Variant Classification (06012015). Collection method: clinical testing. Allele origin: germline. Affected: yes.
Comment: This variant is considered likely benign or benign based on one or more of the following criteria: it is a conservative change, it occurs at a poorly conserved position in the protein, it is predicted to be benign by multiple in silico algorithms, and/or has population frequency not consistent with disease.

NM_001111125.3(IQSEC2):c.2889+10T>C

Gene: IQSEC2 (IQ motif and Sec7 domain ArfGEF 2; minus strand). Cytogenetic location: Xp11.22.
Variant type: single nucleotide variant.
Coding change: c.2889+10T>C on transcript NM_001111125.3 (MANE Select); 10 bases into the intron after coding-DNA position 2889, T replaced by C.
Molecular consequence: intron variant.
Genome position (GRCh38, 1-based): chrX:53,243,322, A>G on the plus strand (T>C on the coding strand, the complement: IQSEC2 is on the minus strand). VCF-style: chrX-53243322-A-G. GRCh37 (hg19) VCF-style: chrX-53272504-A-G.
Other names: c.2274+10T>C (NM_015075.2).
Identifiers: ClinVar variation 390164 (VCV000390164.8), dbSNP rs1057523665, ClinGen allele CA16608519.